The following is an entry in ClinVar:

NM_032885.6(ATG4D):c.462A>G (p.Ala154=)

Gene: ATG4D (autophagy related 4D cysteine peptidase; plus strand). Cytogenetic location: 19p13.2.
Variant type: single nucleotide variant.
Coding change: c.462A>G on transcript NM_032885.6 (MANE Select); coding-DNA position 462, A replaced by G.
Protein change: p.Ala154=; no amino-acid change (alanine 154 retained).
Molecular consequence: synonymous variant. On other transcripts: non-coding transcript variant (2).
Genome position (GRCh38, 1-based): chr19:10,545,099, A>G. VCF-style: chr19-10545099-A-G. GRCh37 (hg19) VCF-style: chr19-10655775-A-G.
Other names: c.273A>G, p.Ala91= (NM_001281504.2).
Identifiers: ClinVar variation 2649296 (VCV002649296.24), dbSNP rs144537283, ClinGen allele CA9196094.
Genomic context (GRCh38, chr19:10,545,099, plus strand): 5'-CTGCCTGACCTCGGACTGTGGCTGGGGGTGCATGTTACGCAGCGGCCAGATGATGCTGGC[A>G]CAGGGCCTTCTGCTGCATTTCCTGCCCAGAGGTGAGCCATAGGGGGGAAGGGGTGCACTA-3'
Protein context (NP_116274.3, residues 144-164): CMLRSGQMML[Ala154=]QGLLLHFLPR

ClinVar aggregate classification (germline): Likely benign (1 of 4 stars; one submission).

Allele frequency attached by ClinVar (database versions not stated): 1000 Genomes Project 30x 0.00016; 1000 Genomes Project 0.00020; TOPMed 0.00051; gnomAD 0.00053; ESP Exome Variant Server 0.00062; gnomAD exomes 0.00071; ExAC 0.00072.

Submission:

CeGaT Center for Human Genetics Tuebingen
Classification: Likely benign. Last evaluated: 2023-02-01. Review status: criteria provided, single submitter. Criteria: CeGaT Center For Human Genetics Tuebingen Variant Classification Criteria Version 2. Collection method: clinical testing. Allele origin: germline. Affected: yes. Observed: 1 variant allele.
Comment: ATG4D: BP4, BP7